The following is an entry in ClinVar:

ClinVar aggregate classification (germline): Uncertain significance (1 of 4 stars; one submission).

Conditions:
Tuberous sclerosis 1 (TSC1). Identifiers: Orphanet 805, MedGen C1854465, MONDO:0008612, OMIM 191100.

Submission:

Labcorp Genetics (formerly Invitae), Labcorp
Classification: Uncertain significance for Tuberous sclerosis 1. Last evaluated: 2020-08-02. Review status: criteria provided, single submitter. Criteria: Invitae Variant Classification Sherloc (09022015). Collection method: clinical testing. Allele origin: germline.
Comment: In summary, the available evidence is currently insufficient to determine the role of this variant in disease. Therefore, it has been classified as a Variant of Uncertain Significance. Algorithms developed to predict the effect of missense changes on protein structure and function are either unavailable or do not agree on the potential impact of this missense change (SIFT: "Tolerated"; PolyPhen-2: "Possibly Damaging"; Align-GVGD: "Class C0"). This variant has not been reported in the literature in individuals with TSC1-related conditions. This variant is not present in population databases (ExAC no frequency). This sequence change replaces lysine with asparagine at codon 815 of the TSC1 protein (p.Lys815Asn). The lysine residue is moderately conserved and there is a moderate physicochemical difference between lysine and asparagine.

NM_000368.5(TSC1):c.2445G>C (p.Lys815Asn)

Gene: TSC1 (TSC complex subunit 1; minus strand). Cytogenetic location: 9q34.13.
Variant type: single nucleotide variant.
Coding change: c.2445G>C on transcript NM_000368.5 (MANE Select); coding-DNA position 2445, G replaced by C.
Protein change: p.Lys815Asn; replaces lysine 815 with asparagine.
Molecular consequence: missense variant.
Genome position (GRCh38, 1-based): chr9:132,901,646, C>G on the plus strand (G>C on the coding strand, the complement: TSC1 is on the minus strand). VCF-style: chr9-132901646-C-G. GRCh37 (hg19) VCF-style: chr9-135777033-C-G.
Other names: c.2442G>C, p.Lys814Asn (NM_001162426.2); c.2292G>C, p.Lys764Asn (NM_001162427.2); c.2082G>C, p.Lys694Asn (NM_001362177.2); short protein forms K694N, K764N, K814N, K815N.
Identifiers: ClinVar variation 1009225 (VCV001009225.8), dbSNP rs1845377926, ClinGen allele CA375358570.